The following is an entry in ClinVar:

ClinVar aggregate classification (germline): Likely benign (1 of 4 stars; one submission).

Allele frequency attached by ClinVar (database versions not stated): gnomAD exomes 0.00011; gnomAD 0.00013.
gnomAD v4.1: 42 of 371,946 alleles (0.011%); highest among the groups gnomAD compares: African/African-American, 0.044%; no homozygotes.

Submission:

CeGaT Center for Human Genetics Tuebingen
Classification: Likely benign. Last evaluated: 2022-11-01. Review status: criteria provided, single submitter. Criteria: CeGaT Center For Human Genetics Tuebingen Variant Classification Criteria Version 2. Collection method: clinical testing. Allele origin: germline. Affected: yes. Observed: 2 variant alleles.
Comment: SETD1B: BP4, BP7

NM_001353345.2(SETD1B):c.2139G>A (p.Pro713=)

Gene: SETD1B (SET domain containing 1B, histone lysine methyltransferase; plus strand). Cytogenetic location: 12q24.31.
Variant type: single nucleotide variant.
Coding change: c.2139G>A on transcript NM_001353345.2 (MANE Select); coding-DNA position 2139, G replaced by A.
Protein change: p.Pro713=; no amino-acid change (proline 713 retained).
Molecular consequence: synonymous variant.
Genome position (GRCh38, 1-based): chr12:121,814,354, G>A. VCF-style: chr12-121814354-G-A. GRCh37 (hg19) VCF-style: chr12-122252260-G-A.
Identifiers: ClinVar variation 2643443 (VCV002643443.24), dbSNP rs1274717106, ClinGen allele CA482433990.